The following is an entry in ClinVar:

ClinVar aggregate classification (germline): Conflicting classifications of pathogenicity. Review status: criteria provided, conflicting classifications (1 of 4 stars). 2 submissions from 2 submitters: Uncertain significance (1); Benign (1). Last evaluated 2025-08-10.

Allele frequency attached by ClinVar (database versions not stated): gnomAD exomes 0.00001.
gnomAD v4.1: 4 of 1,612,518 alleles (0.00025%); highest among the groups gnomAD compares: South Asian, 0.0011%; no homozygotes.

Submissions (2):

Labcorp Genetics (formerly Invitae), Labcorp
Classification: Benign. Last evaluated: 2025-08-10. Review status: criteria provided, single submitter. Criteria: Invitae Variant Classification Sherloc (09022015). Collection method: clinical testing. Allele origin: germline.

GeneDx
Classification: Uncertain significance. Last evaluated: 2025-07-28. Review status: criteria provided, single submitter. Criteria: GeneDx Variant Classification Process June 2021. Collection method: clinical testing. Allele origin: germline. Affected: yes.
Comment: Not observed at significant frequency in large population cohorts (gnomAD); Has not been previously published as pathogenic or benign to our knowledge; In silico analysis supports that this missense variant has a deleterious effect on protein structure/function

NM_001854.4(COL11A1):c.3185G>A (p.Arg1062His)

Gene: COL11A1 (collagen type XI alpha 1 chain; minus strand). Cytogenetic location: 1p21.1.
Variant type: single nucleotide variant.
Coding change: c.3185G>A on transcript NM_001854.4 (MANE Select); coding-DNA position 3185, G replaced by A.
Protein change: p.Arg1062His; replaces arginine 1062 with histidine.
Molecular consequence: missense variant. On other transcripts: non-coding transcript variant (1).
Genome position (GRCh38, 1-based): chr1:102,946,940, C>T on the plus strand (G>A on the coding strand, the complement: COL11A1 is on the minus strand). VCF-style: chr1-102946940-C-T. GRCh37 (hg19) VCF-style: chr1-103412496-C-T.
Other names: c.3068G>A, p.Arg1023His (NM_001190709.2); c.3221G>A, p.Arg1074His (NM_080629.3); c.2837G>A, p.Arg946His (NM_080630.4); short protein forms R1023H, R1062H, R1074H, R946H.
Identifiers: ClinVar variation 1302584 (VCV001302584.8), dbSNP rs1234848212, ClinGen allele CA341171417.